The following is an entry in ClinVar:

NM_004082.5(DCTN1):c.1844T>A (p.Leu615His)

Gene: DCTN1 (dynactin subunit 1; minus strand). Cytogenetic location: 2p13.1.
Variant type: single nucleotide variant.
Coding change: c.1844T>A on transcript NM_004082.5 (MANE Select); coding-DNA position 1844, T replaced by A.
Protein change: p.Leu615His; replaces leucine 615 with histidine.
Molecular consequence: missense variant. On other transcripts: non-coding transcript variant (1).
Genome position (GRCh38, 1-based): chr2:74,368,738, A>T on the plus strand (T>A on the coding strand, the complement: DCTN1 is on the minus strand). VCF-style: chr2-74368738-A-T. GRCh37 (hg19) VCF-style: chr2-74595865-A-T.
Other names: c.1784T>A, p.Leu595His (NM_001135040.3); c.1442T>A, p.Leu481His (NM_001135041.3, NM_023019.4); c.1733T>A, p.Leu578His (NM_001190836.2); c.1823T>A, p.Leu608His (NM_001190837.2); c.1793T>A, p.Leu598His (NM_001378991.1); c.1775T>A, p.Leu592His (NM_001378992.1); short protein forms L481H, L608H, L578H, L595H, L615H, L592H, L598H.
Identifiers: ClinVar variation 948598 (VCV000948598.10), dbSNP rs1674608736, ClinGen allele CA347354895.
Genomic context (GRCh38, chr2:74,368,738, plus strand): 5'-CATGGCAAGTTCACTAGATTTCTGTGGAACATGTGATTGATTGGCCATACCTTGCAAATG[A>T]GACGAGGCATGAGCAACAGCACCAGAACGCAGTCATGGTCCCCACCTGGCCGAAGGAAGC-3'
Protein context (NP_004073.2, residues 605-625): CVLVLLLMPR[Leu615His]ICKAELIRKQ

ClinVar aggregate classification (germline): Uncertain significance (1 of 4 stars; one submission).

Conditions:
Neuronopathy, distal hereditary motor, type 7B. Also called: Distal Hereditary Motor Neuronopathy Type 7B (dHMN7B); HMN VIIB; NEURONOPATHY, DISTAL HEREDITARY MOTOR, AUTOSOMAL DOMINANT 14; NEURONOPATHY, DISTAL HEREDITARY MOTOR, HARDING TYPE VIIB; NEUROPATHY, DISTAL HEREDITARY MOTOR, HARDING TYPE VIIB; NEUROPATHY, DISTAL HEREDITARY MOTOR, WITH VOCAL CORD PARALYSIS, HARDING TYPE VIIB. Identifiers: Orphanet 139589, MedGen C1843315, MONDO:0011879, OMIM 607641.
Amyotrophic lateral sclerosis type 1 (ALS1). Also called: AMYOTROPHIC LATERAL SCLEROSIS 1, FAMILIAL. Identifiers: Orphanet 803, MedGen C1862939, MONDO:0007103, OMIM 105400.
Perry syndrome. Also called: PARKINSONISM WITH ALVEOLAR HYPOVENTILATION AND MENTAL DEPRESSION. Identifiers: Orphanet 178509, MedGen C1868594, MONDO:0008201, OMIM 168605.

Allele frequency attached by ClinVar (database versions not stated): gnomAD exomes below 0.00001.
gnomAD v4.1: 1 of 1,614,242 alleles (0.000062%); highest among the groups gnomAD compares: Admixed American, 0.0017%; no homozygotes.

Submission:

Labcorp Genetics (formerly Invitae), Labcorp
Classification: Uncertain significance for Amyotrophic lateral sclerosis type 1; Neuronopathy, distal hereditary motor, type 7B; Perry syndrome. Last evaluated: 2019-04-10. Review status: criteria provided, single submitter. Criteria: Invitae Variant Classification Sherloc (09022015). Collection method: clinical testing. Allele origin: germline.
Comment: This sequence change replaces leucine with histidine at codon 615 of the DCTN1 protein (p.Leu615His). The leucine residue is highly conserved and there is a moderate physicochemical difference between leucine and histidine. This variant is not present in population databases (ExAC no frequency). This variant has not been reported in the literature in individuals with DCTN1-related conditions. Algorithms developed to predict the effect of missense changes on protein structure and function (SIFT, PolyPhen-2, Align-GVGD) all suggest that this variant is likely to be disruptive, but these predictions have not been confirmed by published functional studies and their clinical significance is uncertain. In summary, the available evidence is currently insufficient to determine the role of this variant in disease. Therefore, it has been classified as a Variant of Uncertain Significance.